The following is an entry in ClinVar:

ClinVar aggregate classification (germline): Uncertain significance (1 of 4 stars; one submission).

Conditions:
Alstrom syndrome (ALMS). Identifiers: Orphanet 64, MedGen C0268425, MONDO:0008763, OMIM 203800.

Allele frequency attached by ClinVar (database versions not stated): gnomAD 0.00001 and 0.00002; TOPMed 0.00001; ExAC 0.00003; gnomAD exomes 0.00004; ESP Exome Variant Server 0.00008.
gnomAD v4.1: 20 of 1,614,050 alleles (0.0012%); highest among the groups gnomAD compares: East Asian, 0.02%; no homozygotes.

Submission:

Labcorp Genetics (formerly Invitae), Labcorp
Classification: Uncertain significance for Alstrom syndrome. Last evaluated: 2022-10-18. Review status: criteria provided, single submitter. Criteria: Invitae Variant Classification Sherloc (09022015). Collection method: clinical testing. Allele origin: germline.
Comment: This sequence change replaces arginine, which is basic and polar, with glutamine, which is neutral and polar, at codon 3824 of the ALMS1 protein (p.Arg3824Gln). This variant is present in population databases (rs377572047, gnomAD 0.03%). This variant has not been reported in the literature in individuals affected with ALMS1-related conditions. ClinVar contains an entry for this variant (Variation ID: 1424602). Experimental studies and prediction algorithms are not available or were not evaluated, and the functional significance of this variant is currently unknown. In summary, the available evidence is currently insufficient to determine the role of this variant in disease. Therefore, it has been classified as a Variant of Uncertain Significance.

NM_001378454.1(ALMS1):c.11468G>A (p.Arg3823Gln)

Gene: ALMS1 (ALMS1 centrosome and basal body associated protein; plus strand). Cytogenetic location: 2p13.1.
Variant type: single nucleotide variant.
Coding change: c.11468G>A on transcript NM_001378454.1 (MANE Select); coding-DNA position 11468, G replaced by A.
Protein change: p.Arg3823Gln; replaces arginine 3823 with glutamine.
Molecular consequence: missense variant.
Genome position (GRCh38, 1-based): chr2:73,573,345, G>A. VCF-style: chr2-73573345-G-A. GRCh37 (hg19) VCF-style: chr2-73800472-G-A.
Other names: c.11471G>A, p.Arg3824Gln (NM_015120.4); short protein forms R3823Q, R3824Q.
Identifiers: ClinVar variation 1424602 (VCV001424602.3), dbSNP rs377572047, ClinGen allele CA1715202.